The following is an entry in ClinVar:

ClinVar aggregate classification (germline): Pathogenic (1 of 4 stars; one submission).

Submission:

Labcorp Genetics (formerly Invitae), Labcorp
Classification: Pathogenic. Last evaluated: 2024-01-09. Review status: criteria provided, single submitter. Criteria: Invitae Variant Classification Sherloc (09022015). Collection method: clinical testing. Allele origin: germline.
Comment: This sequence change creates a premature translational stop signal (p.Gln2319*) in the CPLANE1 gene. It is expected to result in an absent or disrupted protein product. Loss-of-function variants in CPLANE1 are known to be pathogenic (PMID: 24178751, 26092869). This variant is not present in population databases (gnomAD no frequency). This variant has not been reported in the literature in individuals affected with CPLANE1-related conditions. ClinVar contains an entry for this variant (Variation ID: 2030318). For these reasons, this variant has been classified as Pathogenic.

Literature cited by the submitters: PubMed 24178751; PubMed 26092869.

NM_001384732.1(CPLANE1):c.6955C>T (p.Gln2319Ter)

Gene: CPLANE1 (ciliogenesis and planar polarity effector complex subunit 1; minus strand). Cytogenetic location: 5p13.2.
Variant type: single nucleotide variant.
Coding change: c.6955C>T on transcript NM_001384732.1 (MANE Select); coding-DNA position 6955, C replaced by T.
Protein change: p.Gln2319Ter; replaces glutamine 2319 with a stop codon.
Molecular consequence: nonsense.
Genome position (GRCh38, 1-based): chr5:37,169,069, G>A on the plus strand (C>T on the coding strand, the complement: CPLANE1 is on the minus strand). VCF-style: chr5-37169069-G-A. GRCh37 (hg19) VCF-style: chr5-37169171-G-A.
Other names: c.6955C>T, p.Gln2319Ter (NM_023073.4); short protein forms Q2319*.
Identifiers: ClinVar variation 2030318 (VCV002030318.4), dbSNP rs2547567636, ClinGen allele CA359479016.